The following is an entry in ClinVar:

ClinVar aggregate classification (germline): Pathogenic (0 of 4 stars; one submission).

Conditions:
Azorean disease (MJD). Also called: Spinocerebellar Ataxia Type 3; AZOREAN NEUROLOGIC DISEASE; Machado-Joseph disease; NIGROSPINODENTATAL DEGENERATION; SPINOCEREBELLAR ATROPHY III; SPINOPONTINE ATROPHY. Identifiers: Orphanet 98757, MedGen C0024408, MONDO:0007182, OMIM 109150.

Submission:

GeneReviews
Classification: Pathogenic for Azorean disease. Last evaluated: 2015-09-24. Review status: no assertion criteria provided. Collection method: literature only. Allele origin: germline. Affected: yes.
Comment: 60 to 86 CAG repeats

NM_004993.5(ATXN3):c.886_888CAG(60_86) (p.Gln305_Gly306insGlnGlnGlnGlnGlnGlnGlnGlnGlnGlnGlnGlnGlnGlnGlnGlnGlnGlnGlnGlnGlnGlnGlnGlnGlnGlnGlnGlnGlnGlnGlnGlnGlnGlnGlnGlnGlnGlnGlnGlnGlnGlnGlnGlnGlnGlnGlnGlnGlnGlnGlnGlnGlnGlnGlnGlnGlnGlnGln)

Genes: ATXN3 (ataxin 3; minus strand), LOC108663987 (ataxin 3 repeat instability region; plus strand). Cytogenetic location: 14q32.12.
Variant type: Microsatellite.
Coding change: c.886_888CAG(60_86) on transcript NM_004993.5.
Protein change: p.Gln305_Gly306insGlnGlnGlnGlnGlnGlnGlnGlnGlnGlnGlnGlnGlnGlnGlnGlnGlnGlnGlnGlnGlnGlnGlnGlnGlnGlnGlnGlnGlnGlnGlnGlnGlnGlnGlnGlnGlnGlnGlnGlnGlnGlnGlnGlnGlnGlnGlnGlnGlnGlnGlnGlnGlnGlnGlnGlnGlnGlnGln.
Identifiers: ClinVar variation 209995 (VCV000209995.1).